The following is an entry in ClinVar:

ClinVar aggregate classification (germline): Uncertain significance. Review status: criteria provided, multiple submitters, no conflicts (2 of 4 stars). 2 submissions from 2 submitters: Uncertain significance (2). Last evaluated 2025-08-26.

Conditions:
Inborn genetic diseases. Identifiers: MedGen C0950123, MeSH D030342.

Submissions (2):

Ambry Genetics
Classification: Uncertain significance for Inborn genetic diseases. Last evaluated: 2025-08-26. Review status: criteria provided, single submitter. Criteria: Ambry Variant Classification Scheme 2023. Collection method: clinical testing. Allele origin: germline.

Genetic Services Laboratory, University of Chicago
Classification: Uncertain significance. Last evaluated: 2023-06-29. Review status: criteria provided, single submitter. Criteria: ACMG Guidelines, 2015. Collection method: clinical testing. Allele origin: germline. Affected: no.
Comment: DNA sequence analysis of the INSR gene demonstrated a sequence change, c.3959A>G, in exon 22 that results in an amino acid change, p.Glu1320Gly. This sequence change does not appear to have been previously described in individuals with INSR-related disorders and has also not been described in population databases such as ExAC and gnomAD(dbSNP rs1273690290). The p.Glu1320Gly change affects a moderately conserved amino acid residue located in a domain of the INSR protein that is not known to be functional. In-silico pathogenicity prediction tools (SIFT, PolyPhen2, Align GVGD, REVEL) provide contradictory results for the p.Glu1320Gly substitution. Due to insufficient evidence and the lack of functional studies, the clinical significance of the p.Glu1320Gly change remains unknown at this time.

NM_000208.4(INSR):c.3959A>G (p.Glu1320Gly)

Gene: INSR (insulin receptor; minus strand). Cytogenetic location: 19p13.2.
Variant type: single nucleotide variant.
Coding change: c.3959A>G on transcript NM_000208.4 (MANE Select); coding-DNA position 3959, A replaced by G.
Protein change: p.Glu1320Gly; replaces glutamic acid 1320 with glycine.
Molecular consequence: missense variant.
Genome position (GRCh38, 1-based): chr19:7,117,246, T>C on the plus strand (A>G on the coding strand, the complement: INSR is on the minus strand). VCF-style: chr19-7117246-T-C. GRCh37 (hg19) VCF-style: chr19-7117257-T-C.
Other names: c.3959A>G (NM_000208.2); c.3923A>G, p.Glu1308Gly (NM_001079817.3); short protein forms E1308G, E1320G.
Identifiers: ClinVar variation 4082452 (VCV004082452.3).